The following is an entry in ClinVar:

NM_177972.3(TUB):c.1299T>C (p.Asn433=)

Genes: RIC3 (RIC3 acetylcholine receptor chaperone; minus strand), TUB (TUB bipartite transcription factor; plus strand). Cytogenetic location: 11p15.4.
Variant type: single nucleotide variant.
Coding change: c.1299T>C on transcript NM_177972.3 (MANE Select); coding-DNA position 1299, T replaced by C.
Protein change: p.Asn433=; no amino-acid change (asparagine 433 retained).
Molecular consequence: synonymous variant.
Genome position (GRCh38, 1-based): chr11:8,100,909, T>C. VCF-style: chr11-8100909-T-C. GRCh37 (hg19) VCF-style: chr11-8122456-T-C.
Other names: c.1464T>C (NM_003320.4); c.1464T>C, p.Asn488= (NM_003320.5).
Identifiers: ClinVar variation 1104805 (VCV001104805.10), dbSNP rs375742021, ClinGen allele CA217429884.
Genomic context (GRCh38, chr11:8,100,909, plus strand): 5'-CTGGCAGAATAAGAACACGGAGAGTATCATCGAGCTGCAAAACAAGACACCTGTCTGGAA[T>C]GATGACACACAGTCCTATGTACTCAACTTCCATGGGCGCGTCACACAGGCCTCCGTGAAG-3'
Protein context (NP_813977.1, residues 423-443): IELQNKTPVW[Asn433=]DDTQSYVLNF

ClinVar aggregate classification (germline): Likely benign. Review status: criteria provided, multiple submitters, no conflicts (2 of 4 stars). 2 submissions from 2 submitters: Likely benign (2). Last evaluated 2025-01-30.

Conditions:
TUB-related disorder. Also called: TUB-related condition.

Allele frequency attached by ClinVar (database versions not stated): gnomAD 0.00001; TOPMed 0.00001; ESP Exome Variant Server 0.00008.
gnomAD v4.1: 1 of 1,614,040 alleles (0.000062%); highest among the groups gnomAD compares: African/African-American, 0.0013%; no homozygotes.

Submissions (2):

PreventionGenetics, part of Exact Sciences
Classification: Likely benign for TUB-related condition. Last evaluated: 2025-01-30. Review status: criteria provided, single submitter. Criteria: ACMG Guidelines, 2015. Collection method: clinical testing. Allele origin: germline.
Comment: This variant is classified as likely benign based on ACMG/AMP sequence variant interpretation guidelines (Richards et al. 2015 PMID: 25741868, with internal and published modifications).

Labcorp Genetics (formerly Invitae), Labcorp
Classification: Likely benign. Last evaluated: 2019-12-28. Review status: criteria provided, single submitter. Criteria: Invitae Variant Classification Sherloc (09022015). Collection method: clinical testing. Allele origin: germline.